The following is an entry in ClinVar:

ClinVar aggregate classification (germline): Uncertain significance (1 of 4 stars; one submission).

gnomAD v4.1: 1 of 1,610,922 alleles (0.000062%); highest among the groups gnomAD compares: Admixed American, 0.0017%; no homozygotes.

Submission:

GeneDx
Classification: Uncertain significance. Last evaluated: 2024-09-20. Review status: criteria provided, single submitter. Criteria: GeneDx Variant Classification Process June 2021. Collection method: clinical testing. Allele origin: germline. Affected: yes.
Comment: Not observed at significant frequency in large population cohorts (gnomAD); In silico analysis supports that this missense variant has a deleterious effect on protein structure/function; Has not been previously published as pathogenic or benign to our knowledge

NM_170606.3(KMT2C):c.2908G>A (p.Ala970Thr)

Gene: KMT2C (lysine methyltransferase 2C; minus strand). Cytogenetic location: 7q36.1.
Variant type: single nucleotide variant.
Coding change: c.2908G>A on transcript NM_170606.3 (MANE Select); coding-DNA position 2908, G replaced by A.
Protein change: p.Ala970Thr; replaces alanine 970 with threonine.
Molecular consequence: missense variant.
Genome position (GRCh38, 1-based): chr7:152,229,991, C>T on the plus strand (G>A on the coding strand, the complement: KMT2C is on the minus strand). VCF-style: chr7-152229991-C-T. GRCh37 (hg19) VCF-style: chr7-151927076-C-T.
Other names: short protein forms A970T.
Identifiers: ClinVar variation 3774628 (VCV003774628.1).